The following is an entry in ClinVar:

NM_000284.4(PDHA1):c.499G>C (p.Val167Leu)

Gene: PDHA1 (pyruvate dehydrogenase E1 subunit alpha 1; plus strand). Cytogenetic location: Xp22.12.
Variant type: single nucleotide variant.
Coding change: c.499G>C on transcript NM_000284.4 (MANE Select); coding-DNA position 499, G replaced by C.
Protein change: p.Val167Leu; replaces valine 167 with leucine.
Molecular consequence: missense variant.
Genome position (GRCh38, 1-based): chrX:19,353,162, G>C. VCF-style: chrX-19353162-G-C. GRCh37 (hg19) VCF-style: chrX-19371280-G-C.
Other names: c.613G>C, p.Val205Leu (NM_001173454.2); c.520G>C, p.Val174Leu (NM_001173455.2); c.499G>C, p.Val167Leu (NM_001173456.2); short protein forms V167L, V174L, V205L.
Identifiers: ClinVar variation 1321261 (VCV001321261.1), dbSNP rs2063174067, ClinGen allele CA412393431.

ClinVar aggregate classification (germline): Uncertain significance (1 of 4 stars; one submission).

Conditions:
Pyruvate dehydrogenase E1-alpha deficiency (PDHAD). Also called: ATAXIA, INTERMITTENT, WITH PYRUVATE DEHYDROGENASE DEFICIENCY; ATAXIA WITH LACTIC ACIDOSIS I; ATAXIA, INTERMITTENT, WITH ABNORMAL PYRUVATE METABOLISM; Ataxia, intermittent, with pyruvate dehydrogenase, or decarboxylase, deficiency. Identifiers: Orphanet 79243, MedGen C1839413, MONDO:0010717, OMIM 312170.

Submission:

3billion
Classification: Uncertain significance for Pyruvate dehydrogenase E1-alpha deficiency. Last evaluated: 2021-10-25. Review status: criteria provided, single submitter. Criteria: ACMG Guidelines, 2015. Collection method: clinical testing. Allele origin: unknown. Affected: yes. Observed: 1 heterozygote.
Comment: This variant is not observed in the gnomAD v2.1.1 dataset (PM2). In silico tool predictions suggest damaging effect of the variant on gene or gene product (REVEL: 0.839, 3Cnet: 0.958, PP3). Therefore, this variant is classified as uncertain significance according to the recommendation of ACMG/AMP guideline.